The following is an entry in ClinVar:

NM_002739.5(PRKCG):c.1949C>T (p.Ala650Val)

Gene: PRKCG (protein kinase C gamma; plus strand). Cytogenetic location: 19q13.42.
Variant type: single nucleotide variant.
Coding change: c.1949C>T on transcript NM_002739.5 (MANE Select); coding-DNA position 1949, C replaced by T.
Protein change: p.Ala650Val; replaces alanine 650 with valine.
Molecular consequence: missense variant.
Genome position (GRCh38, 1-based): chr19:53,906,750, C>T. VCF-style: chr19-53906750-C-T. GRCh37 (hg19) VCF-style: chr19-54410004-C-T.
Other names: c.1949C>T, p.Ala650Val (NM_001316329.2); short protein forms A650V.
Identifiers: ClinVar variation 3372544 (VCV003372544.1).

ClinVar aggregate classification (germline): Uncertain significance (1 of 4 stars; one submission).

Submission:

GeneDx
Classification: Uncertain significance. Last evaluated: 2024-04-14. Review status: criteria provided, single submitter. Criteria: GeneDx Variant Classification Process June 2021. Collection method: clinical testing. Allele origin: germline. Affected: yes.
Comment: Not observed at significant frequency in large population cohorts (gnomAD); In silico analysis indicates that this missense variant does not alter protein structure/function; Has not been previously published as pathogenic or benign to our knowledge